The following is an entry in ClinVar:

NM_032119.4(ADGRV1):c.18750A>G (p.Ile6250Met)

Gene: ADGRV1 (adhesion G protein-coupled receptor V1; plus strand). Cytogenetic location: 5q14.3.
Variant type: single nucleotide variant.
Coding change: c.18750A>G on transcript NM_032119.4 (MANE Select); coding-DNA position 18750, A replaced by G.
Protein change: p.Ile6250Met; replaces isoleucine 6250 with methionine.
Molecular consequence: missense variant. On other transcripts: non-coding transcript variant (1).
Genome position (GRCh38, 1-based): chr5:91,153,346, A>G. VCF-style: chr5-91153346-A-G. GRCh37 (hg19) VCF-style: chr5-90449163-A-G.
Other names: short protein forms I6250M.
Identifiers: ClinVar variation 1366518 (VCV001366518.8), dbSNP rs2126915000, ClinGen allele CA360432706.
Genomic context (GRCh38, chr5:91,153,346, plus strand): 5'-AAGTCCACAAAATGGAGCCACGTTCCCGTCCTCTGGAGGATATGGCCAGGGGTCACTGAT[A>G]GCCGATGAGGAGTCCCAGGAGTTTGATGATTTAATATTTGCATTAAAAACTGGTATGTAT-3'
Protein context (NP_115495.3, residues 6240-6260): SSGGYGQGSL[Ile6250Met]ADEESQEFDD

ClinVar aggregate classification (germline): Uncertain significance (1 of 4 stars; one submission).

Allele frequency attached by ClinVar (database versions not stated): gnomAD exomes below 0.00001.
gnomAD v4.1: 1 of 1,612,672 alleles (0.000062%); highest among the groups gnomAD compares: Non-Finnish European, 0.000085%; no homozygotes.

Submission:

Labcorp Genetics (formerly Invitae), Labcorp
Classification: Uncertain significance. Last evaluated: 2022-07-26. Review status: criteria provided, single submitter. Criteria: Invitae Variant Classification Sherloc (09022015). Collection method: clinical testing. Allele origin: germline.
Comment: In summary, the available evidence is currently insufficient to determine the role of this variant in disease. Therefore, it has been classified as a Variant of Uncertain Significance. Algorithms developed to predict the effect of missense changes on protein structure and function are either unavailable or do not agree on the potential impact of this missense change (SIFT: "Deleterious"; PolyPhen-2: "Benign"; Align-GVGD: "Class C0"). ClinVar contains an entry for this variant (Variation ID: 1366518). This variant has not been reported in the literature in individuals affected with ADGRV1-related conditions. This variant is not present in population databases (gnomAD no frequency). This sequence change replaces isoleucine, which is neutral and non-polar, with methionine, which is neutral and non-polar, at codon 6250 of the ADGRV1 protein (p.Ile6250Met).